The following is an entry in ClinVar:

NM_005359.6(SMAD4):c.977T>C (p.Ile326Thr)

Gene: SMAD4 (SMAD family member 4; plus strand). Cytogenetic location: 18q21.2.
Variant type: single nucleotide variant.
Coding change: c.977T>C on transcript NM_005359.6 (MANE Select); coding-DNA position 977, T replaced by C.
Protein change: p.Ile326Thr; replaces isoleucine 326 with threonine.
Molecular consequence: missense variant. On other transcripts: non-coding transcript variant (2).
Genome position (GRCh38, 1-based): chr18:51,065,444, T>C. VCF-style: chr18-51065444-T-C. GRCh37 (hg19) VCF-style: chr18-48591814-T-C.
Other names: c.977T>C, p.Ile326Thr (NM_001407041.1, NM_001407042.1, NM_001407043.1); short protein forms I326T.
Identifiers: ClinVar variation 3445859 (VCV003445859.2).

ClinVar aggregate classification (germline): Uncertain significance. Review status: criteria provided, multiple submitters, no conflicts (2 of 4 stars). 2 submissions from 2 submitters: Uncertain significance (2). Last evaluated 2024-10-09.

Conditions:
Familial thoracic aortic aneurysm and aortic dissection (TAAD). Also called: Thoracic aortic aneurysms and dissections. Identifiers: Orphanet 91387, MedGen C4707243, MONDO:0019625.
Hereditary cancer-predisposing syndrome. Also called: Tumor predisposition; Neoplastic Syndromes, Hereditary; Hereditary Cancer Syndrome; Hereditary neoplastic syndrome. Identifiers: Orphanet 140162, MedGen C0027672, MeSH D009386, MONDO:0015356.

gnomAD v4.1: 1 of 1,614,006 alleles (0.000062%); no homozygotes.

Submissions (2):

Ambry Genetics
Classification: Uncertain significance for Hereditary cancer-predisposing syndrome; Familial thoracic aortic aneurysm and aortic dissection. Last evaluated: 2024-10-09. Review status: criteria provided, single submitter. Criteria: Ambry Variant Classification Scheme 2023. Collection method: clinical testing. Allele origin: germline.
Comment: The p.I326T variant (also known as c.977T>C), located in coding exon 8 of the SMAD4 gene, results from a T to C substitution at nucleotide position 977. The isoleucine at codon 326 is replaced by threonine, an amino acid with similar properties. This amino acid position is highly conserved in available vertebrate species. In addition, this alteration is predicted to be deleterious by in silico analysis. Based on the available evidence, the clinical significance of this variant remains unclear.

Blueprint Genetics
Classification: Uncertain significance. Last evaluated: 2022-09-13. Review status: criteria provided, single submitter. Criteria: ACMG Guidelines, 2015. Collection method: clinical testing. Allele origin: germline.